The following is an entry in ClinVar:

NM_001378452.1(ITPR1):c.5678A>G (p.Lys1893Arg)

Gene: ITPR1 (inositol 1,4,5-trisphosphate receptor type 1; plus strand). Cytogenetic location: 3p26.1.
Variant type: single nucleotide variant.
Coding change: c.5678A>G on transcript NM_001378452.1 (MANE Select); coding-DNA position 5678, A replaced by G.
Protein change: p.Lys1893Arg; replaces lysine 1893 with arginine.
Molecular consequence: missense variant.
Genome position (GRCh38, 1-based): chr3:4,766,663, A>G. VCF-style: chr3-4766663-A-G. GRCh37 (hg19) VCF-style: chr3-4808347-A-G.
Other names: c.5534A>G, p.Lys1845Arg (NM_001099952.4); c.5633A>G, p.Lys1878Arg (NM_001168272.2); c.5489A>G, p.Lys1830Arg (NM_002222.7); short protein forms K1830R, K1845R, K1878R, K1893R.
Identifiers: ClinVar variation 1302108 (VCV001302108.6), dbSNP rs577442813, ClinGen allele CA2232383.

ClinVar aggregate classification (germline): Uncertain significance. Review status: criteria provided, multiple submitters, no conflicts (2 of 4 stars). 2 submissions from 2 submitters: Uncertain significance (2). Last evaluated 2025-12-13.

Allele frequency attached by ClinVar (database versions not stated): gnomAD 0.00001; 1000 Genomes Project 30x 0.00016; 1000 Genomes Project 0.00020; gnomAD exomes below 0.00001; TOPMed below 0.00001; ExAC 0.00001.

Submissions (2):

Labcorp Genetics (formerly Invitae), Labcorp
Classification: Uncertain significance. Last evaluated: 2025-12-13. Review status: criteria provided, single submitter. Criteria: Invitae Variant Classification Sherloc (09022015). Collection method: clinical testing. Allele origin: germline.
Comment: This sequence change replaces lysine, which is basic and polar, with arginine, which is basic and polar, at codon 1830 of the ITPR1 protein (p.Lys1830Arg). This variant is present in population databases (rs577442813, gnomAD 0.003%). This variant has not been reported in the literature in individuals affected with ITPR1-related conditions. ClinVar contains an entry for this variant (Variation ID: 1302108). Invitae Evidence Modeling of protein sequence and biophysical properties (such as structural, functional, and spatial information, amino acid conservation, physicochemical variation, residue mobility, and thermodynamic stability) indicates that this missense variant is not expected to disrupt ITPR1 protein function with a negative predictive value of 95%. In summary, the available evidence is currently insufficient to determine the role of this variant in disease. Therefore, it has been classified as a Variant of Uncertain Significance.

GeneDx
Classification: Uncertain significance. Last evaluated: 2024-04-02. Review status: criteria provided, single submitter. Criteria: GeneDx Variant Classification Process June 2021. Collection method: clinical testing. Allele origin: germline. Affected: yes.
Comment: In silico analysis supports that this missense variant does not alter protein structure/function; Has not been previously published as pathogenic or benign to our knowledge